The following is an entry in ClinVar:

NM_005591.4(MRE11):c.28G>A (p.Glu10Lys)

Gene: MRE11 (MRE11 double strand break repair nuclease; minus strand). Cytogenetic location: 11q21.
Variant type: single nucleotide variant.
Coding change: c.28G>A on transcript NM_005591.4 (MANE Select); coding-DNA position 28, G replaced by A.
Protein change: p.Glu10Lys; replaces glutamic acid 10 with lysine.
Molecular consequence: missense variant.
Genome position (GRCh38, 1-based): chr11:94,490,958, C>T on the plus strand (G>A on the coding strand, the complement: MRE11 is on the minus strand). VCF-style: chr11-94490958-C-T. GRCh37 (hg19) VCF-style: chr11-94224124-C-T.
Other names: c.28G>A, p.Glu10Lys (NM_001330347.2, NM_005590.4); short protein forms E10K.
Identifiers: ClinVar variation 233793 (VCV000233793.14), dbSNP rs756308200, ClinGen allele CA6235471.

ClinVar aggregate classification (germline): Uncertain significance. Review status: criteria provided, multiple submitters, no conflicts (2 of 4 stars). 2 submissions from 2 submitters: Uncertain significance (2). Last evaluated 2023-02-15.

Conditions:
Hereditary cancer-predisposing syndrome. Also called: Neoplastic Syndromes, Hereditary; Tumor predisposition; Hereditary Cancer Syndrome; Hereditary neoplastic syndrome. Identifiers: Orphanet 140162, MedGen C0027672, MeSH D009386, MONDO:0015356.
Ataxia-telangiectasia-like disorder (ATLD). Identifiers: MedGen C1858391, MONDO:0011457.

Allele frequency attached by ClinVar (database versions not stated): gnomAD exomes below 0.00001 and 0.00002; ExAC 0.00001.
gnomAD v4.1: 26 of 1,450,214 alleles (0.0018%); highest among the groups gnomAD compares: Non-Finnish European, 0.0024%; no homozygotes.

Submissions (2):

Ambry Genetics
Classification: Uncertain significance for Hereditary cancer-predisposing syndrome. Last evaluated: 2023-02-15. Review status: criteria provided, single submitter. Criteria: Ambry Variant Classification Scheme 2023. Collection method: clinical testing. Allele origin: germline.
Comment: The p.E10K variant (also known as c.28G>A), located in coding exon 2 of the MRE11A gene, results from a G to A substitution at nucleotide position 28. The glutamic acid at codon 10 is replaced by lysine, an amino acid with similar properties. This amino acid position is highly conserved in available vertebrate species. In addition, this alteration is predicted to be deleterious by in silico analysis. Since supporting evidence is limited at this time, the clinical significance of this alteration remains unclear.

Labcorp Genetics (formerly Invitae), Labcorp
Classification: Uncertain significance for Ataxia-telangiectasia-like disorder. Last evaluated: 2022-02-20. Review status: criteria provided, single submitter. Criteria: Invitae Variant Classification Sherloc (09022015). Collection method: clinical testing. Allele origin: germline.
Comment: In summary, the available evidence is currently insufficient to determine the role of this variant in disease. Therefore, it has been classified as a Variant of Uncertain Significance. Algorithms developed to predict the effect of missense changes on protein structure and function (SIFT, PolyPhen-2, Align-GVGD) all suggest that this variant is likely to be tolerated. ClinVar contains an entry for this variant (Variation ID: 233793). This variant has not been reported in the literature in individuals affected with MRE11-related conditions. The frequency data for this variant in the population databases is considered unreliable, as metrics indicate poor data quality at this position in the gnomAD database. This sequence change replaces glutamic acid, which is acidic and polar, with lysine, which is basic and polar, at codon 10 of the MRE11 protein (p.Glu10Lys).